The following is an entry in ClinVar:

ClinVar aggregate classification (germline): Conflicting classifications of pathogenicity. Review status: criteria provided, conflicting classifications (1 of 4 stars). 3 submissions from 3 submitters: Uncertain significance (2); Likely benign (1). Last evaluated 2025-05-27.

Conditions:
Waardenburg syndrome type 2A (WS2A). Also called: WAARDENBURG SYNDROME WITHOUT DYSTOPIA CANTHORUM. Identifiers: Orphanet 3440, MedGen C1860339, MONDO:0008671, OMIM 193510.
Tietz syndrome (TADS). Also called: ALBINISM-DEAFNESS OF TIETZ; HYPOPIGMENTATION/DEAFNESS OF TIETZ; TIETZ ALBINISM-DEAFNESS SYNDROME. Identifiers: Orphanet 42665, MedGen C0391816, MONDO:0007077, OMIM 103500.
Melanoma, cutaneous malignant, susceptibility to, 8. Also called: Cutaneous malignant melanoma 8; MELANOMA AND RENAL CELL CARCINOMA, SUSCEPTIBILITY TO. Identifiers: Orphanet 293822, MedGen C3152204, MONDO:0013759, OMIM 614456.
Hereditary cancer-predisposing syndrome. Also called: Tumor predisposition; Hereditary Cancer Syndrome; Hereditary neoplastic syndrome; Neoplastic Syndromes, Hereditary. Identifiers: Orphanet 140162, MedGen C0027672, MeSH D009386, MONDO:0015356.

Submissions (3):

Ambry Genetics
Classification: Likely benign for Hereditary cancer-predisposing syndrome. Last evaluated: 2025-05-27. Review status: criteria provided, single submitter. Criteria: Ambry Variant Classification Scheme 2023. Collection method: clinical testing. Allele origin: germline.

Labcorp Genetics (formerly Invitae), Labcorp
Classification: Uncertain significance for Melanoma, cutaneous malignant, susceptibility to, 8; Waardenburg syndrome type 2A; Tietz syndrome. Last evaluated: 2025-04-14. Review status: criteria provided, single submitter. Criteria: Invitae Variant Classification Sherloc (09022015). Collection method: clinical testing. Allele origin: germline.
Comment: This sequence change replaces glutamine, which is neutral and polar, with proline, which is neutral and non-polar, at codon 95 of the MITF protein (p.Gln95Pro). This variant is present in population databases (rs761775769, gnomAD 0.009%). This variant has not been reported in the literature in individuals affected with MITF-related conditions. ClinVar contains an entry for this variant (Variation ID: 3340808). An algorithm developed to predict the effect of missense changes on protein structure and function (PolyPhen-2) suggests that this variant is likely to be disruptive. In summary, the available evidence is currently insufficient to determine the role of this variant in disease. Therefore, it has been classified as a Variant of Uncertain Significance.

GeneDx
Classification: Uncertain significance. Last evaluated: 2024-03-03. Review status: criteria provided, single submitter. Criteria: GeneDx Variant Classification Process June 2021. Collection method: clinical testing. Allele origin: germline. Affected: yes.
Comment: In silico analysis supports that this missense variant does not alter protein structure/function; Has not been previously published as pathogenic or benign to our knowledge

NM_001354604.2(MITF):c.605A>C (p.Gln202Pro)

Gene: MITF (melanocyte inducing transcription factor; plus strand). Cytogenetic location: 3p13.
Variant type: single nucleotide variant.
Coding change: c.605A>C on transcript NM_001354604.2 (MANE Select); coding-DNA position 605, A replaced by C.
Protein change: p.Gln202Pro; replaces glutamine 202 with proline.
Molecular consequence: missense variant.
Genome position (GRCh38, 1-based): chr3:69,939,120, A>C. VCF-style: chr3-69939120-A-C. GRCh37 (hg19) VCF-style: chr3-69988271-A-C.
Other names: c.284A>C, p.Gln95Pro (NM_000248.4, NM_198158.3); c.449A>C, p.Gln150Pro (NM_001184967.2, NM_001354608.2); c.602A>C, p.Gln201Pro (NM_001354605.2, NM_001354606.2, NM_006722.3); c.554A>C, p.Gln185Pro (NM_001354607.2); c.605A>C, p.Gln202Pro (NM_198159.3); c.557A>C, p.Gln186Pro (NM_198177.3); c.116A>C, p.Gln39Pro (NM_198178.3); short protein forms Q150P, Q185P, Q186P, Q201P, Q202P, Q39P, Q95P.
Identifiers: ClinVar variation 3340808 (VCV003340808.5).